The following is an entry in ClinVar:

ClinVar aggregate classification (germline): Uncertain significance (1 of 4 stars; one submission).

Allele frequency attached by ClinVar (database versions not stated): gnomAD 0.00004; TOPMed 0.00006; ESP Exome Variant Server 0.00033.
gnomAD v4.1: 10 of 1,614,044 alleles (0.00062%); highest among the groups gnomAD compares: African/African-American, 0.011%; no homozygotes.

Submission:

Labcorp Genetics (formerly Invitae), Labcorp
Classification: Uncertain significance. Last evaluated: 2022-08-31. Review status: criteria provided, single submitter. Criteria: Invitae Variant Classification Sherloc (09022015). Collection method: clinical testing. Allele origin: germline.
Comment: This sequence change replaces tyrosine, which is neutral and polar, with histidine, which is basic and polar, at codon 648 of the CNGA1 protein (p.Tyr648His). This variant is present in population databases (rs371440311, gnomAD 0.03%). This variant has not been reported in the literature in individuals affected with CNGA1-related conditions. ClinVar contains an entry for this variant (Variation ID: 1486273). Algorithms developed to predict the effect of missense changes on protein structure and function (SIFT, PolyPhen-2, Align-GVGD) all suggest that this variant is likely to be tolerated. In summary, the available evidence is currently insufficient to determine the role of this variant in disease. Therefore, it has been classified as a Variant of Uncertain Significance.

NM_001379270.1(CNGA1):c.1930T>C (p.Tyr644His)

Genes: CNGA1 (cyclic nucleotide gated channel subunit alpha 1; minus strand), LOC101927157 (uncharacterized LOC101927157; plus strand). Cytogenetic location: 4p12.
Variant type: single nucleotide variant.
Coding change: c.1930T>C on transcript NM_001379270.1 (MANE Select); coding-DNA position 1930, T replaced by C.
Protein change: p.Tyr644His; replaces tyrosine 644 with histidine.
Molecular consequence: missense variant.
Genome position (GRCh38, 1-based): chr4:47,936,552, A>G on the plus strand (T>C on the coding strand, the complement: CNGA1 is on the minus strand). VCF-style: chr4-47936552-A-G. GRCh37 (hg19) VCF-style: chr4-47938569-A-G.
Other names: c.1930T>C, p.Tyr644His (NM_000087.5, NM_001142564.2); short protein forms Y644H.
Identifiers: ClinVar variation 1486273 (VCV001486273.5), dbSNP rs371440311, ClinGen allele CA2910992.